The following is an entry in ClinVar:

NM_018026.4(PACS1):c.101_127del (p.Pro34_Pro42del)

Gene: PACS1 (phosphofurin acidic cluster sorting protein 1; plus strand). Cytogenetic location: 11q13.1.
Variant type: Deletion.
Coding change: c.101_127del on transcript NM_018026.4 (MANE Select); coding-DNA positions 101 to 127, 27 bases deleted (CGCAGCAGCAGCAGCAGCAGCCGCCGC).
Protein change: p.Pro34_Pro42del.
Genome position (GRCh38, 1-based): chr11:66,070,587-66,070,613, CGCAGCAGCAGCAGCAGCAGCCGCCGC deleted; deleting any 27 consecutive bases within chr11:66,070,574-66,070,613 gives the same sequence; the c. name uses the placement nearest the transcript's 3' end. VCF-style (leftmost placement, unchanged base first): chr11-66070573-TCAGCAGCCGCCGCCGCAGCAGCAGCAG-T. GRCh37 (hg19) VCF-style: chr11-65838044-TCAGCAGCCGCCGCCGCAGCAGCAGCAG-T.
Identifiers: ClinVar variation 3046784 (VCV003046784.2), dbSNP rs1438611816, ClinGen allele CA600239378.

ClinVar aggregate classification (germline): Uncertain significance (0 of 4 stars; one submission).

Conditions:
PACS1-related disorder. Also called: PACS1-related condition.

Submission:

PreventionGenetics, part of Exact Sciences
Classification: Uncertain significance for PACS1-related condition. Last evaluated: 2024-02-22. Review status: no assertion criteria provided. Collection method: clinical testing. Allele origin: germline.
Comment: The PACS1 c.101_127del27 variant is predicted to result in an in-frame deletion (p.Pro34_Pro42del). To our knowledge, this variant has not been reported in the literature. This variant is reported in 0.0053% of alleles in individuals of Latino descent in gnomAD. At this time, the clinical significance of this variant is uncertain due to the absence of conclusive functional and genetic evidence.